The following is an entry in ClinVar:

ClinVar aggregate classification (germline): Uncertain significance. Review status: criteria provided, multiple submitters, no conflicts (2 of 4 stars). 2 submissions from 2 submitters: Uncertain significance (2). Last evaluated 2023-03-29.

Conditions:
Emery-Dreifuss muscular dystrophy 4, autosomal dominant (EDMD4). Also called: EMERY-DREIFUSS MUSCULAR DYSTROPHY 4 WITH VARIABLE FEATURES. Identifiers: Orphanet 261, MedGen C2751807, MONDO:0013071, OMIM 612998.
Autosomal recessive ataxia, Beauce type. Also called: SYNE1-Related Autosomal Recessive Cerebellar Ataxia; Spinocerebellar ataxia, autosomal recessive 8; ATAXIA, RECESSIVE, OF BEAUCE; SYNE1 Deficiency. Identifiers: Orphanet 88644, MedGen C1853116, MONDO:0012549, OMIM 610743.

Allele frequency attached by ClinVar (database versions not stated): gnomAD exomes 0.00001; TOPMed 0.00001.
gnomAD v4.1: 30 of 1,614,128 alleles (0.0019%); highest among the groups gnomAD compares: Non-Finnish European, 0.0025%; no homozygotes.

Submissions (2):

Revvity Omics, Revvity
Classification: Uncertain significance. Last evaluated: 2023-03-29. Review status: criteria provided, single submitter. Criteria: ACMG Guidelines, 2015. Collection method: clinical testing. Allele origin: germline.

Labcorp Genetics (formerly Invitae), Labcorp
Classification: Uncertain significance for Emery-Dreifuss muscular dystrophy 4, autosomal dominant; Autosomal recessive ataxia, Beauce type. Last evaluated: 2019-09-24. Review status: criteria provided, single submitter. Criteria: Invitae Variant Classification Sherloc (09022015). Collection method: clinical testing. Allele origin: germline.
Comment: In summary, the available evidence is currently insufficient to determine the role of this variant in disease. Therefore, it has been classified as a Variant of Uncertain Significance. Algorithms developed to predict the effect of missense changes on protein structure and function output the following: SIFT: "Deleterious"; PolyPhen-2: "Benign"; Align-GVGD: "Class C55". The threonine amino acid residue is found in multiple mammalian species, suggesting that this missense change does not adversely affect protein function. These predictions have not been confirmed by published functional studies and their clinical significance is uncertain. This variant has not been reported in the literature in individuals with SYNE1-related disease. This variant is not present in population databases (ExAC no frequency). This sequence change replaces alanine with threonine at codon 7264 of the SYNE1 protein (p.Ala7264Thr). The alanine residue is highly conserved and there is a small physicochemical difference between alanine and threonine.

NM_182961.4(SYNE1):c.22003G>A (p.Ala7335Thr)

Gene: SYNE1 (spectrin repeat containing nuclear envelope protein 1; minus strand). Cytogenetic location: 6q25.2.
Variant type: single nucleotide variant.
Coding change: c.22003G>A on transcript NM_182961.4 (MANE Select); coding-DNA position 22003, G replaced by A.
Protein change: p.Ala7335Thr; replaces alanine 7335 with threonine.
Molecular consequence: missense variant.
Genome position (GRCh38, 1-based): chr6:152,219,044, C>T on the plus strand (G>A on the coding strand, the complement: SYNE1 is on the minus strand). VCF-style: chr6-152219044-C-T. GRCh37 (hg19) VCF-style: chr6-152540179-C-T.
Other names: c.21790G>A, p.Ala7264Thr (NM_033071.5); short protein forms A7264T, A7335T.
Identifiers: ClinVar variation 580360 (VCV000580360.11), dbSNP rs1029115177, ClinGen allele CA150180932.